The following is an entry in ClinVar:

ClinVar aggregate classification (germline): Uncertain significance. Review status: criteria provided, multiple submitters, no conflicts (2 of 4 stars). 2 submissions from 2 submitters: Uncertain significance (2). Last evaluated 2025-11-10.

Conditions:
Colorectal cancer, hereditary nonpolyposis, type 7. Identifiers: Orphanet 144, MedGen C1858380, MONDO:0013725, OMIM 614385.

Allele frequency attached by ClinVar (database versions not stated): gnomAD exomes below 0.00001; TOPMed below 0.00001; gnomAD 0.00001.
gnomAD v4.1: 4 of 1,614,070 alleles (0.00025%); highest among the groups gnomAD compares: Non-Finnish European, 0.00034%; no homozygotes.

Submissions (2):

Labcorp Genetics (formerly Invitae), Labcorp
Classification: Uncertain significance for Colorectal cancer, hereditary nonpolyposis, type 7. Last evaluated: 2025-11-10. Review status: criteria provided, single submitter. Criteria: Invitae Variant Classification Sherloc (09022015). Collection method: clinical testing. Allele origin: germline.
Comment: This sequence change replaces aspartic acid, which is acidic and polar, with valine, which is neutral and non-polar, at codon 318 of the MLH3 protein (p.Asp318Val). This variant is not present in population databases (gnomAD no frequency). This variant has not been reported in the literature in individuals affected with MLH3-related conditions. ClinVar contains an entry for this variant (Variation ID: 544281). An algorithm developed to predict the effect of missense changes on protein structure and function (PolyPhen-2) suggests that this variant is likely to be disruptive. In summary, the available evidence is currently insufficient to determine the role of this variant in disease. Therefore, it has been classified as a Variant of Uncertain Significance.

Ambry Genetics
Classification: Uncertain significance. Last evaluated: 2025-04-05. Review status: criteria provided, single submitter. Criteria: Ambry Variant Classification Scheme 2023. Collection method: clinical testing. Allele origin: germline.
Comment: The p.D318V variant (also known as c.953A>T), located in coding exon 1 of the MLH3 gene, results from an A to T substitution at nucleotide position 953. The aspartic acid at codon 318 is replaced by valine, an amino acid with highly dissimilar properties. This amino acid position is conserved. In addition, this alteration is predicted to be deleterious by in silico analysis. Since supporting evidence is limited at this time, the clinical significance of this alteration remains unclear.

NM_001040108.2(MLH3):c.953A>T (p.Asp318Val)

Gene: MLH3 (mutL homolog 3; minus strand). Cytogenetic location: 14q24.3.
Variant type: single nucleotide variant.
Coding change: c.953A>T on transcript NM_001040108.2 (MANE Select); coding-DNA position 953, A replaced by T.
Protein change: p.Asp318Val; replaces aspartic acid 318 with valine.
Molecular consequence: missense variant.
Genome position (GRCh38, 1-based): chr14:75,048,703, T>A on the plus strand (A>T on the coding strand, the complement: MLH3 is on the minus strand). VCF-style: chr14-75048703-T-A. GRCh37 (hg19) VCF-style: chr14-75515406-T-A.
Other names: c.953A>T, p.Asp318Val (NM_014381.3); short protein forms D318V.
Identifiers: ClinVar variation 544281 (VCV000544281.14), dbSNP rs1281805197, ClinGen allele CA390448575.